The following is an entry in ClinVar:

ClinVar aggregate classification (germline): Likely pathogenic. Review status: criteria provided, multiple submitters, no conflicts (2 of 4 stars). 3 submissions from 3 submitters: Likely pathogenic (3). Last evaluated 2024-11-22.

Conditions:
OTUD6B-related disorder. Also called: OTUD6B-related condition.

Allele frequency attached by ClinVar (database versions not stated): gnomAD exomes below 0.00001 and 0.00002; gnomAD 0.00001; TOPMed 0.00001.

Submissions (3):

PreventionGenetics, part of Exact Sciences
Classification: Likely pathogenic for OTUD6B-related condition. Last evaluated: 2024-11-22. Review status: criteria provided, single submitter. Criteria: ACMG Guidelines, 2015. Collection method: clinical testing. Allele origin: germline.
Comment: The OTUD6B c.295C>T variant is predicted to result in premature protein termination (p.Gln99*). To our knowledge, this variant has not been reported in the literature. This variant is reported in 1 of ~251,000 alleles in gnomAD. Nonsense variants in OTUD6B are expected to be pathogenic. This variant is interpreted as likely pathogenic.

Blueprint Genetics
Classification: Likely pathogenic for OTUD6B-related disorders. Last evaluated: 2023-12-22. Review status: criteria provided, single submitter. Criteria: ACMG Guidelines, 2015. Collection method: clinical testing. Allele origin: germline. Affected: yes. Observed: 4 variant alleles.

GeneDx
Classification: Likely pathogenic. Last evaluated: 2021-03-03. Review status: criteria provided, single submitter. Criteria: GeneDx Variant Classification Process June 2021. Collection method: clinical testing. Allele origin: germline. Affected: yes.
Comment: Nonsense variant predicted to result in protein truncation or nonsense mediated decay in a gene for which loss-of-function is a known mechanism of disease; Not observed at a significant frequency in large population cohorts (Lek et al., 2016); Has not been previously published as pathogenic or benign to our knowledge

NM_016023.5(OTUD6B):c.205C>T (p.Gln69Ter)

Gene: OTUD6B (OTU deubiquitinase 6B; plus strand). Cytogenetic location: 8q21.3.
Variant type: single nucleotide variant.
Coding change: c.205C>T on transcript NM_016023.5 (MANE Select); coding-DNA position 205, C replaced by T.
Protein change: p.Gln69Ter; replaces glutamine 69 with a stop codon.
Molecular consequence: nonsense. On other transcripts: 5 prime UTR variant (1).
Genome position (GRCh38, 1-based): chr8:91,071,260, C>T. VCF-style: chr8-91071260-C-T. GRCh37 (hg19) VCF-style: chr8-92083488-C-T.
Other names: c.-239C>T (NM_001286745.3); short protein forms Q69*.
Identifiers: ClinVar variation 1216417 (VCV001216417.5), dbSNP rs1395982289, ClinGen allele CA371658266.
Genomic context (GRCh38, chr8:91,071,260, plus strand): 5'-ACCGAAGATGTGGCCAAGTTGGAAAAAGAAATGGAACAGAAACATAGAGAGGAACTGGAG[C>T]AATTGAAGCTGACTACTAAGGAGAATAAGGTATGTGAAATAAATGTTTGTCGTTGCCTAC-3'